The following is an entry in ClinVar:

ClinVar aggregate classification (germline): Uncertain significance. Review status: criteria provided, multiple submitters, no conflicts (2 of 4 stars). 4 submissions from 4 submitters: Uncertain significance (3). 1 of the submissions does not count toward it. Last evaluated 2025-01-17.

Conditions:
Cardiovascular phenotype. Identifiers: MedGen CN230736.
Hereditary cancer-predisposing syndrome. Also called: Neoplastic Syndromes, Hereditary; Tumor predisposition; Hereditary Cancer Syndrome; Hereditary neoplastic syndrome. Identifiers: Orphanet 140162, MedGen C0027672, MeSH D009386, MONDO:0015356.
LZTR1-related disorder. Also called: LZTR1-related disorders; LZTR1-related condition.
LZTR1-related schwannomatosis. Also called: Schwannomatosis 2; Schwannomatosis-2, susceptibility to. Identifiers: Orphanet 93921, MedGen C3810283, MONDO:0014299, OMIM 615670.

gnomAD v4.1: 1 of 1,613,462 alleles (0.000062%); highest among the groups gnomAD compares: South Asian, 0.0011%; no homozygotes.

Submissions (4):

Labcorp Genetics (formerly Invitae), Labcorp
Classification: Uncertain significance. Last evaluated: 2025-01-17. Review status: criteria provided, single submitter. Criteria: Invitae Variant Classification Sherloc (09022015). Collection method: clinical testing. Allele origin: germline.
Comment: This sequence change replaces aspartic acid, which is acidic and polar, with asparagine, which is neutral and polar, at codon 151 of the LZTR1 protein (p.Asp151Asn). This variant is not present in population databases (gnomAD no frequency). This variant has not been reported in the literature in individuals affected with LZTR1-related conditions. ClinVar contains an entry for this variant (Variation ID: 2676406). Invitae Evidence Modeling of protein sequence and biophysical properties (such as structural, functional, and spatial information, amino acid conservation, physicochemical variation, residue mobility, and thermodynamic stability) indicates that this missense variant is not expected to disrupt LZTR1 protein function with a negative predictive value of 80%. In summary, the available evidence is currently insufficient to determine the role of this variant in disease. Therefore, it has been classified as a Variant of Uncertain Significance.

Ambry Genetics
Classification: Uncertain significance for Cardiovascular phenotype; Hereditary cancer-predisposing syndrome. Last evaluated: 2023-10-02. Review status: criteria provided, single submitter. Criteria: Ambry Variant Classification Scheme 2023. Collection method: clinical testing. Allele origin: germline.
Comment: The p.D151N variant (also known as c.451G>A), located in coding exon 5 of the LZTR1 gene, results from a G to A substitution at nucleotide position 451. The aspartic acid at codon 151 is replaced by asparagine, an amino acid with highly similar properties. This amino acid position is highly conserved in available vertebrate species. In addition, this alteration is predicted to be tolerated by in silico analysis. Since supporting evidence is limited at this time, the clinical significance of this alteration remains unclear.

Baylor Genetics
Classification: Uncertain significance for LZTR1-related schwannomatosis. Last evaluated: 2023-07-10. Review status: criteria provided, single submitter. Criteria: ACMG Guidelines, 2015. Collection method: clinical testing. Allele origin: unknown.

PreventionGenetics, part of Exact Sciences
Classification: Uncertain significance for LZTR1-related condition. Last evaluated: 2023-11-27. Review status: no assertion criteria provided. Collection method: clinical testing. Allele origin: germline. Not counted in ClinVar's aggregate classification.
Comment: The LZTR1 c.451G>A variant is predicted to result in the amino acid substitution p.Asp151Asn. However, the patient had an additional loss-of-function variant in LZTR1, which are associated with autosomal recessive Noonan syndrome. The phase of the two variants (same allele or opposite alleles) was not determined (Table 2, Krgovic et al. 2022. PubMed ID: 35813072). This variant has not been reported in a large population database, indicating this variant is rare. At this time, the clinical significance of this variant is uncertain due to the absence of conclusive functional and genetic evidence.

NM_006767.4(LZTR1):c.451G>A (p.Asp151Asn)

Gene: LZTR1 (leucine zipper like post translational regulator 1; plus strand). Cytogenetic location: 22q11.21.
Variant type: single nucleotide variant.
Coding change: c.451G>A on transcript NM_006767.4 (MANE Select); coding-DNA position 451, G replaced by A.
Protein change: p.Asp151Asn; replaces aspartic acid 151 with asparagine.
Molecular consequence: missense variant.
Genome position (GRCh38, 1-based): chr22:20,988,060, G>A. VCF-style: chr22-20988060-G-A. GRCh37 (hg19) VCF-style: chr22-21342349-G-A.
Other names: c.451G>A (NM_006767.3); short protein forms D151N.
Identifiers: ClinVar variation 2676406 (VCV002676406.6), dbSNP rs1216720527, ClinGen allele CA410779809.
Genomic context (GRCh38, chr22:20,988,060, plus strand): 5'-CTTTACTCAGGGGGTTACACTGGGGACATTTATTCCAATTCTAACTTGAAGAATAAAAAC[G>A]ACCTCTTTGAATACAAGTTTGCAACTGGCCAGTGGACGGAGTGGAAAATTGAAGGACGGT-3'
Protein context (NP_006758.2, residues 141-161): YSNSNLKNKN[Asp151Asn]LFEYKFATGQ